The following is an entry in ClinVar:

ClinVar aggregate classification (germline): Pathogenic. Review status: criteria provided, multiple submitters, no conflicts (2 of 4 stars). 2 submissions from 2 submitters: Pathogenic (2). Last evaluated 2025-06-16.

Conditions:
Periventricular nodular heterotopia 9. Identifiers: MedGen C5394503, MONDO:0030061, OMIM 618918.

Submissions (2):

Institute of Immunology and Genetics Kaiserslautern
Classification: Pathogenic for Periventricular nodular heterotopia 9. Last evaluated: 2025-06-16. Review status: criteria provided, single submitter. Criteria: ACMG Guidelines, 2015. Collection method: clinical testing. Allele origin: de novo. Affected: yes.
Comment: ACMG Criteria: PVS1, PS2, PM2; Variant was found in heterozygous state. De novo-status was confirmed via in-house segregation analysis.

Labcorp Genetics (formerly Invitae), Labcorp
Classification: Pathogenic. Last evaluated: 2023-10-23. Review status: criteria provided, single submitter. Criteria: Invitae Variant Classification Sherloc (09022015). Collection method: clinical testing. Allele origin: germline.
Comment: This sequence change creates a premature translational stop signal (p.Ile782*) in the MAP1B gene. It is expected to result in an absent or disrupted protein product. Loss-of-function variants in MAP1B are known to be pathogenic (PMID: 29738522, 31317654). This variant is not present in population databases (gnomAD no frequency). This variant has not been reported in the literature in individuals affected with MAP1B-related conditions. For these reasons, this variant has been classified as Pathogenic.

Literature cited by the submitters: PubMed 29738522 (cited by Labcorp Genetics (formerly Invitae), Labcorp); PubMed 31317654 (cited by Labcorp Genetics (formerly Invitae), Labcorp).

NM_005909.5(MAP1B):c.2340del (p.Lys781_Ile782insTer)

Gene: MAP1B (microtubule associated protein 1B; plus strand). Cytogenetic location: 5q13.2.
Variant type: Deletion.
Coding change: c.2340del on transcript NM_005909.5 (MANE Select); coding-DNA position 2340, one base deleted (G; older notation c.2340delG).
Protein change: p.Lys781_Ile782insTer.
Molecular consequence: frameshift variant.
Genome position (GRCh38, 1-based): chr5:72,195,695, G deleted; the last of 4 consecutive G bases (chr5:72,195,692-72,195,695); deleting any one gives the same sequence. VCF-style (leftmost placement, unchanged base first): chr5-72195691-AG-A. GRCh37 (hg19) VCF-style: chr5-71491518-AG-A.
Other names: c.1962del, p.Lys655_Ile656insTer (NM_001324255.2).
Identifiers: ClinVar variation 2771492 (VCV002771492.4), dbSNP rs2478571735, ClinGen allele CA2697547205.